The following is an entry in ClinVar:

ClinVar aggregate classification (germline): Uncertain significance (1 of 4 stars; one submission).

Conditions:
Hypertrophic cardiomyopathy. Also called: HYPERTROPHIC MYOCARDIOPATHY. Identifiers: Orphanet 217569, MedGen C0007194, MeSH D002312, MONDO:0005045, HP:0001639.

Submission:

Labcorp Genetics (formerly Invitae), Labcorp
Classification: Uncertain significance for Hypertrophic cardiomyopathy. Last evaluated: 2023-12-01. Review status: criteria provided, single submitter. Criteria: Invitae Variant Classification Sherloc (09022015). Collection method: clinical testing. Allele origin: germline.
Comment: This variant, c.1807_1808insGAT, is a complex sequence change that results in the deletion of 1 and insertion of 2 amino acid(s) in the MYBPC3 protein (p.Ile603delinsArgPhe). This variant is not present in population databases (gnomAD no frequency). This variant has been observed in individual(s) with hypertrophic cardiomyopathy (Invitae). Experimental studies and prediction algorithms are not available or were not evaluated, and the functional significance of this variant is currently unknown. In summary, the available evidence is currently insufficient to determine the role of this variant in disease. Therefore, it has been classified as a Variant of Uncertain Significance.

NM_000256.3(MYBPC3):c.1807_1808insGAT (p.Ile603delinsArgPhe)

Gene: MYBPC3 (myosin binding protein C3; minus strand). Cytogenetic location: 11p11.2.
Variant type: Insertion.
Coding change: c.1807_1808insGAT on transcript NM_000256.3 (MANE Select); coding-DNA positions 1807 to 1808, GAT inserted.
Protein change: p.Ile603delinsArgPhe.
Molecular consequence: inframe indel.
Genome position: GRCh38 VCF-style: chr11-47341227-A-AATC. GRCh37 (hg19) VCF-style: chr11-47362778-A-AATC.
Identifiers: ClinVar variation 2699917 (VCV002699917.3), dbSNP rs2495759957, ClinGen allele CA2697548578.